The following is an entry in ClinVar:

NM_018161.5(NADSYN1):c.1744C>T (p.Gln582Ter)

Gene: NADSYN1 (NAD synthetase 1; plus strand). Cytogenetic location: 11q13.4.
Variant type: single nucleotide variant.
Coding change: c.1744C>T on transcript NM_018161.5 (MANE Select); coding-DNA position 1744, C replaced by T.
Protein change: p.Gln582Ter; replaces glutamine 582 with a stop codon.
Molecular consequence: nonsense.
Genome position (GRCh38, 1-based): chr11:71,491,883, C>T. VCF-style: chr11-71491883-C-T. GRCh37 (hg19) VCF-style: chr11-71202929-C-T.
Other names: short protein forms Q582*.
Identifiers: ClinVar variation 3382592 (VCV003382592.2).

ClinVar aggregate classification (germline): Likely pathogenic (1 of 4 stars; one submission).

Conditions:
Vertebral, cardiac, renal, and limb defects syndrome 3. Also called: CONGENITAL NAD DEFICIENCY DISORDER 3. Identifiers: MedGen C5394250, MONDO:0030077, OMIM 618845.

Submission:

Juno Genomics, Hangzhou Juno Genomics, Inc
Classification: Likely pathogenic for Vertebral, cardiac, renal, and limb defects syndrome 3. Review status: criteria provided, single submitter. Criteria: ACMG Guidelines, 2015. Collection method: clinical testing. Allele origin: germline. Affected: yes.
Comment: Absent from controls (or at extremely low frequency if recessive) in Genome Aggregation Database, Exome Sequencing Project, 1000 Genomes Project, or Exome Aggregation Consortium.;Null variant in a gene where loss of function (LOF) is a known mechanism of disease.